The following is an entry in ClinVar:

NM_031448.6(C19orf12):c.-10-5C>T

Gene: C19orf12 (chromosome 19 open reading frame 12; minus strand). Cytogenetic location: 19q12.
Variant type: single nucleotide variant.
Coding change: c.-10-5C>T on transcript NM_031448.6 (MANE Select); 5 bases into the intron before 10 bases upstream of the start codon, C replaced by T.
Molecular consequence: intron variant.
Genome position (GRCh38, 1-based): chr19:29,708,428, G>A on the plus strand (C>T on the coding strand, the complement: C19orf12 is on the minus strand). VCF-style: chr19-29708428-G-A. GRCh37 (hg19) VCF-style: chr19-30199335-G-A.
Other names: c.-32-5451C>T (NM_001282929.1, NM_001282930.3); c.-10-5C>T (NM_001256047.2, NM_001256046.3, NM_001031726.4); c.-323-5C>T (NM_001282931.3).
Identifiers: ClinVar variation 389609 (VCV000389609.52), dbSNP rs546546532, ClinGen allele CA9352007.

ClinVar aggregate classification (germline): Likely benign. Review status: criteria provided, multiple submitters, no conflicts (2 of 4 stars). 4 submissions from 4 submitters: Likely benign (4). Last evaluated 2026-01-19.

Conditions:
Hereditary spastic paraplegia 43. Also called: Spastic paraplegia 43, autosomal recessive. Identifiers: Orphanet 320370, MedGen C2680446, MONDO:0014024, OMIM 615043.

Allele frequency attached by ClinVar (database versions not stated): gnomAD 0.00003 and 0.00005; TOPMed 0.00007; gnomAD exomes 0.00011 and 0.00015; ExAC 0.00012; 1000 Genomes Project 30x 0.00016; 1000 Genomes Project 0.00020.

Submissions (4):

Labcorp Genetics (formerly Invitae), Labcorp
Classification: Likely benign for Hereditary spastic paraplegia 43. Last evaluated: 2026-01-19. Review status: criteria provided, single submitter. Criteria: Invitae Variant Classification Sherloc (09022015). Collection method: clinical testing. Allele origin: germline.

Blueprint Genetics
Classification: Likely benign. Last evaluated: 2024-11-22. Review status: criteria provided, single submitter. Criteria: ACMG Guidelines, 2015. Collection method: clinical testing. Allele origin: germline.

CeGaT Center for Human Genetics Tuebingen
Classification: Likely benign. Last evaluated: 2023-03-01. Review status: criteria provided, single submitter. Criteria: CeGaT Center For Human Genetics Tuebingen Variant Classification Criteria Version 2. Collection method: clinical testing. Allele origin: germline. Affected: yes. Observed: 7 variant alleles.
Comment: C19orf12: BP4, BS2

GeneDx
Classification: Likely benign. Last evaluated: 2016-10-26. Review status: criteria provided, single submitter. Criteria: GeneDx Variant Classification (06012015). Collection method: clinical testing. Allele origin: germline. Affected: yes.
Comment: This variant is considered likely benign or benign based on one or more of the following criteria: it is a conservative change, it occurs at a poorly conserved position in the protein, it is predicted to be benign by multiple in silico algorithms, and/or has population frequency not consistent with disease.